The following is an entry in ClinVar:

ClinVar aggregate classification (germline): Likely benign. Review status: criteria provided, multiple submitters, no conflicts (2 of 4 stars). 3 submissions from 3 submitters: Likely benign (2). 1 of the submissions does not count toward it. Last evaluated 2025-09-08.

Conditions:
CEP164-related disorder. Also called: CEP164-related condition.
Nephronophthisis 15 (NPHP15). Identifiers: Orphanet 3156, MedGen C3541853, MONDO:0013917, OMIM 614845.

Allele frequency attached by ClinVar (database versions not stated): gnomAD 0.00001; gnomAD exomes 0.00005; TOPMed 0.00006; ExAC 0.00008.
gnomAD v4.1: 76 of 1,613,984 alleles (0.0047%); highest among the groups gnomAD compares: South Asian, 0.026%; 1 homozygote.

Submissions (3):

Labcorp Genetics (formerly Invitae), Labcorp
Classification: Likely benign for Nephronophthisis 15. Last evaluated: 2025-09-08. Review status: criteria provided, single submitter. Criteria: Invitae Variant Classification Sherloc (09022015). Collection method: clinical testing. Allele origin: germline.

Blueprint Genetics
Classification: Likely benign. Last evaluated: 2024-05-29. Review status: criteria provided, single submitter. Criteria: ACMG Guidelines, 2015. Collection method: clinical testing. Allele origin: germline.

PreventionGenetics, part of Exact Sciences
Classification: Likely benign for CEP164-related condition. Last evaluated: 2024-09-06. Review status: no assertion criteria provided. Collection method: clinical testing. Allele origin: germline. Not counted in ClinVar's aggregate classification.
Comment: This variant is classified as likely benign based on ACMG/AMP sequence variant interpretation guidelines (Richards et al. 2015 PMID: 25741868, with internal and published modifications).

NM_014956.5(CEP164):c.1260G>A (p.Ser420=)

Gene: CEP164 (centrosomal protein 164; plus strand). Cytogenetic location: 11q23.3.
Variant type: single nucleotide variant.
Coding change: c.1260G>A on transcript NM_014956.5 (MANE Select); coding-DNA position 1260, G replaced by A.
Protein change: p.Ser420=; no amino-acid change (serine 420 retained).
Molecular consequence: synonymous variant.
Genome position (GRCh38, 1-based): chr11:117,375,734, G>A. VCF-style: chr11-117375734-G-A. GRCh37 (hg19) VCF-style: chr11-117246450-G-A.
Other names: c.1260G>A (NM_014956.4); c.1260G>A, p.Ser420= (NM_001271933.2).
Identifiers: ClinVar variation 2073544 (VCV002073544.6), dbSNP rs544012304, ClinGen allele CA6294699.